The following is an entry in ClinVar:

ClinVar aggregate classification (germline): Likely benign. Review status: criteria provided, multiple submitters, no conflicts (2 of 4 stars). 2 submissions from 2 submitters: Likely benign (2). Last evaluated 2025-01-16.

Conditions:
Familial cancer of breast. Also called: Hereditary breast cancer; hereditary breast carcinoma; BREAST CANCER, FAMILIAL. Identifiers: Orphanet 227535, MedGen C0346153, MONDO:0016419, OMIM 114480. Disease mechanism: loss of function.

Allele frequency attached by ClinVar (database versions not stated): gnomAD 0.00001.
gnomAD v4.1: 1 of 1,602,200 alleles (0.000062%); highest among the groups gnomAD compares: South Asian, 0.0011%; no homozygotes.

Submissions (2):

Myriad Genetics, Inc.
Classification: Likely benign for Familial cancer of breast. Last evaluated: 2025-01-16. Review status: criteria provided, single submitter. Criteria: Myriad Autosomal Dominant, Autosomal Recessive and X-Linked Classification Criteria (2023). Collection method: clinical testing. Allele origin: unknown.
Comment: This variant is considered likely benign. This variant is intronic and is not expected to impact mRNA splicing.

Labcorp Genetics (formerly Invitae), Labcorp
Classification: Likely benign for Familial cancer of breast. Last evaluated: 2022-06-13. Review status: criteria provided, single submitter. Criteria: Invitae Variant Classification Sherloc (09022015). Collection method: clinical testing. Allele origin: germline.

NM_024675.4(PALB2):c.2515-19G>A

Gene: PALB2 (partner and localizer of BRCA2; minus strand). Cytogenetic location: 16p12.2.
Variant type: single nucleotide variant.
Coding change: c.2515-19G>A on transcript NM_024675.4 (MANE Select); 19 bases into the intron before coding-DNA position 2515, G replaced by A.
Molecular consequence: intron variant.
Genome position (GRCh38, 1-based): chr16:23,629,294, C>T on the plus strand (G>A on the coding strand, the complement: PALB2 is on the minus strand). VCF-style: chr16-23629294-C-T. GRCh37 (hg19) VCF-style: chr16-23640615-C-T.
Identifiers: ClinVar variation 2145187 (VCV002145187.5), dbSNP rs1966854220, ClinGen allele CA975724814.